The following is an entry in ClinVar:

ClinVar aggregate classification (germline): Uncertain significance (1 of 4 stars; one submission).

Conditions:
Pitt-Hopkins-like syndrome 2 (PTHSL2). Identifiers: Orphanet 221150, Orphanet 600663, MedGen C3280479, MONDO:0013690, OMIM 614325.

Allele frequency attached by ClinVar (database versions not stated): TOPMed 0.00001; ExAC 0.00003.
gnomAD v4.1: 7 of 1,612,468 alleles (0.00043%); highest among the groups gnomAD compares: Admixed American, 0.012%; no homozygotes.

Submission:

Labcorp Genetics (formerly Invitae), Labcorp
Classification: Uncertain significance for Pitt-Hopkins-like syndrome 2. Last evaluated: 2025-08-30. Review status: criteria provided, single submitter. Criteria: Invitae Variant Classification Sherloc (09022015). Collection method: clinical testing. Allele origin: germline.
Comment: This sequence change replaces leucine, which is neutral and non-polar, with isoleucine, which is neutral and non-polar, at codon 167 of the NRXN1 protein (p.Leu167Ile). This variant is present in population databases (rs753449110, gnomAD 0.02%). This variant has not been reported in the literature in individuals affected with NRXN1-related conditions. ClinVar contains an entry for this variant (Variation ID: 658371). An algorithm developed to predict the effect of missense changes on protein structure and function (PolyPhen-2) suggests that this variant is likely to be tolerated. In summary, the available evidence is currently insufficient to determine the role of this variant in disease. Therefore, it has been classified as a Variant of Uncertain Significance.

NM_001330078.2(NRXN1):c.499C>A (p.Leu167Ile)

Gene: NRXN1 (neurexin 1; minus strand). Cytogenetic location: 2p16.3.
Variant type: single nucleotide variant.
Coding change: c.499C>A on transcript NM_001330078.2 (MANE Select); coding-DNA position 499, C replaced by A.
Protein change: p.Leu167Ile; replaces leucine 167 with isoleucine.
Molecular consequence: missense variant.
Genome position (GRCh38, 1-based): chr2:51,027,775, G>T on the plus strand (C>A on the coding strand, the complement: NRXN1 is on the minus strand). VCF-style: chr2-51027775-G-T. GRCh37 (hg19) VCF-style: chr2-51254913-G-T.
Other names: c.499C>A, p.Leu167Ile (NM_001135659.3, NM_001330077.2, NM_001330079.2 and 15 more transcripts); short protein forms L167I.
Identifiers: ClinVar variation 658371 (VCV000658371.8), dbSNP rs753449110, ClinGen allele CA1655469.